The following is an entry in ClinVar:

ClinVar aggregate classification (germline): Uncertain significance (1 of 4 stars; one submission).

Submission:

GeneDx
Classification: Uncertain significance. Last evaluated: 2022-10-26. Review status: criteria provided, single submitter. Criteria: GeneDx Variant Classification Process June 2021. Collection method: clinical testing. Allele origin: germline. Affected: yes.
Comment: Not observed at significant frequency in large population cohorts (gnomAD); In silico analysis supports that this missense variant does not alter protein structure/function; Has not been previously published as pathogenic or benign to our knowledge; This variant is associated with the following publications: (PMID: 11301010)

NM_032043.3(BRIP1):c.2942A>G (p.Glu981Gly)

Gene: BRIP1 (BRCA1 interacting DNA helicase 1; minus strand). Cytogenetic location: 17q23.2.
Variant type: single nucleotide variant.
Coding change: c.2942A>G on transcript NM_032043.3 (MANE Select); coding-DNA position 2942, A replaced by G.
Protein change: p.Glu981Gly; replaces glutamic acid 981 with glycine.
Molecular consequence: missense variant.
Genome position (GRCh38, 1-based): chr17:61,684,104, T>C on the plus strand (A>G on the coding strand, the complement: BRIP1 is on the minus strand). VCF-style: chr17-61684104-T-C. GRCh37 (hg19) VCF-style: chr17-59761465-T-C.
Other names: short protein forms E981G.
Identifiers: ClinVar variation 2500645 (VCV002500645.1), dbSNP rs2144093459, ClinGen allele CA400480697.